The following is an entry in ClinVar:

NM_015662.3(IFT172):c.4135C>T (p.Arg1379Cys)

Gene: IFT172 (intraflagellar transport 172; minus strand). Cytogenetic location: 2p23.3.
Variant type: single nucleotide variant.
Coding change: c.4135C>T on transcript NM_015662.3 (MANE Select); coding-DNA position 4135, C replaced by T.
Protein change: p.Arg1379Cys; replaces arginine 1379 with cysteine.
Molecular consequence: missense variant.
Genome position (GRCh38, 1-based): chr2:27,449,716, G>A on the plus strand (C>T on the coding strand, the complement: IFT172 is on the minus strand). VCF-style: chr2-27449716-G-A. GRCh37 (hg19) VCF-style: chr2-27672583-G-A.
Other names: c.4135C>T (NM_015662.2); c.4069C>T, p.Arg1357Cys (NM_001410739.1); short protein forms R1357C, R1379C.
Identifiers: ClinVar variation 2922929 (VCV002922929.3), dbSNP rs377326896, ClinGen allele CA1579714.
Genomic context (GRCh38, chr2:27,449,716, plus strand): 5'-GAGAATTTCGCAGTAAGAAGGGGTTACAAGCTTACCTGGGATCTAACTCCTTAGCTACAC[G>A]CTTCGCCTTGTTCCACTCCTCACCCTCGATGAAAGCATCGATTGCTTCCTTGACAAGGTC-3'
Protein context (NP_056477.1, residues 1369-1389): IEGEEWNKAK[Arg1379Cys]VAKELDPRYE

ClinVar aggregate classification (germline): Uncertain significance. Review status: criteria provided, multiple submitters, no conflicts (2 of 4 stars). 3 submissions from 3 submitters: Uncertain significance (3). Last evaluated 2025-09-23.

Conditions:
IFT172-related disorder. Also called: IFT172-related condition; IFT172-related disorders.
Short-rib thoracic dysplasia 10 with or without polydactyly (SRTD10). Identifiers: Orphanet 474, MedGen C3810175, MONDO:0014284, OMIM 615630.
Retinitis pigmentosa 71 (RP71). Identifiers: Orphanet 791, MedGen C4225342, MONDO:0014618, OMIM 616394.

Allele frequency attached by ClinVar (database versions not stated): gnomAD 0.00001; TOPMed 0.00001; gnomAD exomes 0.00002; ExAC 0.00003; ESP Exome Variant Server 0.00008.
gnomAD v4.1: 38 of 1,613,476 alleles (0.0024%); highest among the groups gnomAD compares: Admixed American, 0.0067%; no homozygotes.

Submissions (3):

PreventionGenetics, part of Exact Sciences
Classification: Uncertain significance for IFT172-related condition. Last evaluated: 2025-09-23. Review status: criteria provided, single submitter. Criteria: ACMG Guidelines, 2015. Collection method: clinical testing. Allele origin: germline.
Comment: The IFT172 c.4135C>T variant is predicted to result in the amino acid substitution p.Arg1379Cys. To our knowledge, this variant has not been reported in the literature. This variant is reported in 0.0085% of alleles in individuals of Latino descent in gnomAD. At this time, the clinical significance of this variant is uncertain due to the absence of conclusive functional and genetic evidence.

Blueprint Genetics
Classification: Uncertain significance. Last evaluated: 2024-05-27. Review status: criteria provided, single submitter. Criteria: ACMG Guidelines, 2015. Collection method: clinical testing. Allele origin: germline.

Labcorp Genetics (formerly Invitae), Labcorp
Classification: Uncertain significance for Retinitis pigmentosa 71; Short-rib thoracic dysplasia 10 with or without polydactyly. Last evaluated: 2023-07-07. Review status: criteria provided, single submitter. Criteria: Invitae Variant Classification Sherloc (09022015). Collection method: clinical testing. Allele origin: germline.
Comment: In summary, the available evidence is currently insufficient to determine the role of this variant in disease. Therefore, it has been classified as a Variant of Uncertain Significance. Advanced modeling of protein sequence and biophysical properties (such as structural, functional, and spatial information, amino acid conservation, physicochemical variation, residue mobility, and thermodynamic stability) has been performed at Invitae for this missense variant, however the output from this modeling did not meet the statistical confidence thresholds required to predict the impact of this variant on IFT172 protein function. This variant has not been reported in the literature in individuals affected with IFT172-related conditions. This variant is present in population databases (rs377326896, gnomAD 0.009%). This sequence change replaces arginine, which is basic and polar, with cysteine, which is neutral and slightly polar, at codon 1379 of the IFT172 protein (p.Arg1379Cys).